The following is an entry in ClinVar:

NM_014679.5(CEP57):c.778A>T (p.Lys260Ter)

Gene: CEP57 (centrosomal protein 57; plus strand). Cytogenetic location: 11q21.
Variant type: single nucleotide variant.
Coding change: c.778A>T on transcript NM_014679.5 (MANE Select); coding-DNA position 778, A replaced by T.
Protein change: p.Lys260Ter; replaces lysine 260 with a stop codon.
Molecular consequence: nonsense.
Genome position (GRCh38, 1-based): chr11:95,821,949, A>T. VCF-style: chr11-95821949-A-T. GRCh37 (hg19) VCF-style: chr11-95555113-A-T.
Other names: c.751A>T, p.Lys251Ter (NM_001243776.2); c.778A>T, p.Lys260Ter (NM_001243777.2); c.697A>T, p.Lys233Ter (NM_001363604.2); short protein forms K233*, K260*, K251*.
Identifiers: ClinVar variation 936628 (VCV000936628.7), dbSNP rs773014425, ClinGen allele CA382405301.
Genomic context (GRCh38, chr11:95,821,949, plus strand): 5'-ACAAATAGACTTATCTTTGAAGATAAGGCAACTCCGTGTGTTCCCAATGCAAGAAGAATT[A>T]AAAAAAAGAAGTCAAAACCACCAGAAAAGGTGTGAAGACAGAACCAAATCAGGCAAAATG-3'

ClinVar aggregate classification (germline): Pathogenic (1 of 4 stars; one submission).

Conditions:
Mosaic variegated aneuploidy syndrome 2 (MVA2). Identifiers: Orphanet 1052, MedGen C3279843, MONDO:0013582, OMIM 614114.

Allele frequency attached by ClinVar (database versions not stated): gnomAD 0.00001.
gnomAD v4.1: 1 of 1,608,038 alleles (0.000062%); highest among the groups gnomAD compares: Admixed American, 0.0017%; no homozygotes.

Submission:

Labcorp Genetics (formerly Invitae), Labcorp
Classification: Pathogenic for Mosaic variegated aneuploidy syndrome 2. Last evaluated: 2021-08-04. Review status: criteria provided, single submitter. Criteria: Invitae Variant Classification Sherloc (09022015). Collection method: clinical testing. Allele origin: germline.
Comment: For these reasons, this variant has been classified as Pathogenic. ClinVar contains an entry for this variant (Variation ID: 936628). This variant has not been reported in the literature in individuals affected with CEP57-related conditions. This variant is not present in population databases (ExAC no frequency). This sequence change creates a premature translational stop signal (p.Lys260*) in the CEP57 gene. It is expected to result in an absent or disrupted protein product. Loss-of-function variants in CEP57 are known to be pathogenic (PMID: 21552266, 24259107).

Literature cited by the submitters: PubMed 21552266; PubMed 24259107.